The following is an entry in ClinVar:

NM_025132.4(WDR19):c.3788G>A (p.Cys1263Tyr)

Gene: WDR19 (WD repeat domain 19; plus strand). Cytogenetic location: 4p14.
Variant type: single nucleotide variant.
Coding change: c.3788G>A on transcript NM_025132.4 (MANE Select); coding-DNA position 3788, G replaced by A.
Protein change: p.Cys1263Tyr; replaces cysteine 1263 with tyrosine.
Molecular consequence: missense variant.
Genome position (GRCh38, 1-based): chr4:39,277,091, G>A. VCF-style: chr4-39277091-G-A. GRCh37 (hg19) VCF-style: chr4-39278711-G-A.
Other names: c.3308G>A, p.Cys1103Tyr (NM_001317924.2); short protein forms C1103Y, C1263Y.
Identifiers: ClinVar variation 836435 (VCV000836435.8), dbSNP rs1735978246, ClinGen allele CA356652183.

ClinVar aggregate classification (germline): Uncertain significance (1 of 4 stars; one submission).

Conditions:
Senior-Loken syndrome 8 (SLSN8). Identifiers: Orphanet 3156, MedGen C4225376, MONDO:0014579, OMIM 616307.
Asphyxiating thoracic dystrophy 5 (SRTD5). Also called: SHORT-RIB THORACIC DYSPLASIA 5 WITH OR WITHOUT POLYDACTYLY; SHORT-RIB THORACIC DYSPLASIA 5 WITHOUT POLYDACTYLY. Identifiers: Orphanet 474, MedGen C3280598, MONDO:0013717, OMIM 614376.

Submission:

Labcorp Genetics (formerly Invitae), Labcorp
Classification: Uncertain significance for Senior-Loken syndrome 8; Asphyxiating thoracic dystrophy 5. Last evaluated: 2022-04-06. Review status: criteria provided, single submitter. Criteria: Invitae Variant Classification Sherloc (09022015). Collection method: clinical testing. Allele origin: germline.
Comment: This sequence change replaces cysteine, which is neutral and slightly polar, with tyrosine, which is neutral and polar, at codon 1263 of the WDR19 protein (p.Cys1263Tyr). This variant is not present in population databases (gnomAD no frequency). This variant has not been reported in the literature in individuals affected with WDR19-related conditions. ClinVar contains an entry for this variant (Variation ID: 836435). Algorithms developed to predict the effect of missense changes on protein structure and function (SIFT, PolyPhen-2, Align-GVGD) all suggest that this variant is likely to be tolerated. In summary, the available evidence is currently insufficient to determine the role of this variant in disease. Therefore, it has been classified as a Variant of Uncertain Significance.